The following is an entry in ClinVar:

ClinVar aggregate classification (germline): Likely pathogenic. Review status: criteria provided, multiple submitters, no conflicts (2 of 4 stars). 3 submissions from 3 submitters: Likely pathogenic (2). 1 of the submissions does not count toward it. Last evaluated 2025-12-09.

Conditions:
Familial long QT syndrome (RWS). Also called: Congenital long QT syndrome; Romano-Ward syndrome; VENTRICULAR FIBRILLATION WITH PROLONGED QT INTERVAL. Identifiers: Orphanet 768, MedGen C1141890, MONDO:0019171.
Long QT syndrome (LQTS). Identifiers: MedGen C0023976, MeSH D008133, MONDO:0002442. Disease mechanism: loss of function. Inheritance: Various modes of inheritance.

Submissions (3):

Labcorp Genetics (formerly Invitae), Labcorp
Classification: Likely pathogenic for Long QT syndrome. Last evaluated: 2025-12-09. Review status: criteria provided, single submitter. Criteria: Invitae Variant Classification Sherloc (09022015). Collection method: clinical testing. Allele origin: germline.
Comment: This sequence change replaces alanine, which is neutral and non-polar, with glutamic acid, which is acidic and polar, at codon 558 of the KCNH2 protein (p.Ala558Glu). This variant is not present in population databases (gnomAD no frequency). This missense change has been observed in individuals with clinical features of Long QT Syndrome (PMID: 29622001). ClinVar contains an entry for this variant (Variation ID: 67226). An algorithm developed to predict the effect of missense changes on protein structure and function (PolyPhen-2) suggests that this variant is likely to be disruptive. Experimental studies have shown that this missense change affects KCNH2 function (PMID: 25417810). This variant disrupts the p.Ala558 amino acid residue in KCNH2. Other variant(s) that disrupt this residue have been determined to be pathogenic (PMID: 10220144, 18551196, 25417810). This suggests that this residue is clinically significant, and that variants that disrupt this residue are likely to be disease-causing. In summary, the currently available evidence indicates that the variant is pathogenic, but additional data are needed to prove that conclusively. Therefore, this variant has been classified as Likely Pathogenic.

GeneDx
Classification: Likely pathogenic. Last evaluated: 2021-01-22. Review status: criteria provided, single submitter. Criteria: GeneDx Variant Classification Process June 2021. Collection method: clinical testing. Allele origin: germline. Affected: yes.
Comment: Identified in individuals referred for LQTS at GeneDx and in published literature (Kapplinger et al., 2009); Published in vitro functional studies demonstrate a damaging effect as this variant causes KCNH2 channels to be trafficking deficient (Anderson et al., 2014); nevertheless, it is unclear how these studies may translate to a pathogenic role in vivo; Not observed in large population cohorts (Lek et al., 2016); In silico analysis, which includes protein predictors and evolutionary conservation, supports a deleterious effect; This variant is associated with the following publications: (PMID: 19716085, 25417810)

Cardiovascular Biomedical Research Unit, Royal Brompton & Harefield NHS Foundation Trust
No classification provided. Condition: Familial long QT syndrome. Review status: no classification provided. Collection method: literature only. Allele origin: germline. Not counted in ClinVar's aggregate classification.
Comment: This variant has been reported as associated with Long QT syndrome in the following publications (PMID:19716085). This is a literature report, and does not necessarily reflect the clinical interpretation of the Imperial College / Royal Brompton Cardiovascular Genetics laboratory.

Literature cited by the submitters: PubMed 29622001 (cited by Labcorp Genetics (formerly Invitae), Labcorp); PubMed 25417810 (cited by Labcorp Genetics (formerly Invitae), Labcorp); PubMed 10220144 (cited by Labcorp Genetics (formerly Invitae), Labcorp); PubMed 18551196 (cited by Labcorp Genetics (formerly Invitae), Labcorp); PubMed 19716085 (cited by Cardiovascular Biomedical Research Unit, Royal Brompton & Harefield NHS Foundation Trust); PubMed 22581653 (cited by Cardiovascular Biomedical Research Unit, Royal Brompton & Harefield NHS Foundation Trust).

NM_000238.4(KCNH2):c.1673C>A (p.Ala558Glu)

Gene: KCNH2 (potassium voltage-gated channel subfamily H member 2; minus strand). Cytogenetic location: 7q36.1.
Variant type: single nucleotide variant.
Coding change: c.1673C>A on transcript NM_000238.4 (MANE Select); coding-DNA position 1673, C replaced by A.
Protein change: p.Ala558Glu; replaces alanine 558 with glutamic acid.
Molecular consequence: missense variant.
Genome position (GRCh38, 1-based): chr7:150,951,720, G>T on the plus strand (C>A on the coding strand, the complement: KCNH2 is on the minus strand). VCF-style: chr7-150951720-G-T. GRCh37 (hg19) VCF-style: chr7-150648808-G-T.
Other names: c.1673C>A (LRG_288t1); c.653C>A, p.Ala218Glu (NM_001204798.2, NM_172057.3); c.1385C>A, p.Ala462Glu (NM_001406753.1, NM_001406756.1); c.1496C>A, p.Ala499Glu (NM_001406755.1); c.1373C>A, p.Ala458Glu (NM_001406757.1); c.1673C>A, p.Ala558Glu (NM_172056.3); short protein forms A218E, A558E, A462E, A458E, A499E.
Identifiers: ClinVar variation 67226 (VCV000067226.8), dbSNP rs199472919, ClinGen allele CA004976.